The following is an entry in ClinVar:

ClinVar aggregate classification (germline): Likely benign (1 of 4 stars; one submission).

Allele frequency attached by ClinVar (database versions not stated): ExAC 0.00130; 1000 Genomes Project 30x 0.00312; 1000 Genomes Project 0.00359; gnomAD 0.00362; TOPMed 0.00416; ESP Exome Variant Server 0.00500.

Submission:

GeneDx
Classification: Likely benign. Last evaluated: 2021-01-23. Review status: criteria provided, single submitter. Criteria: GeneDx Variant Classification Process June 2021. Collection method: clinical testing. Allele origin: germline. Affected: yes.
Comment: See Variant Classification Assertion Criteria.

NM_001126108.2(SLC12A3):c.2925-45G>A

Genes: SLC12A3 (solute carrier family 12 member 3; plus strand), LOC126862361 (CDK7 strongly-dependent group 2 enhancer GRCh37_chr16:56946332-56947531; plus strand). Cytogenetic location: 16q13.
Variant type: single nucleotide variant.
Coding change: c.2925-45G>A on transcript NM_001126108.2 (MANE Select); 45 bases into the intron before coding-DNA position 2925, G replaced by A.
Molecular consequence: intron variant.
Genome position (GRCh38, 1-based): chr16:56,913,219, G>A. VCF-style: chr16-56913219-G-A. GRCh37 (hg19) VCF-style: chr16-56947131-G-A.
Other names: c.2952-45G>A (NM_000339.3); c.2949-45G>A (NM_001126107.2).
Identifiers: ClinVar variation 1707171 (VCV001707171.2), dbSNP rs35001432, ClinGen allele CA8070156.